The following is an entry in ClinVar:

NM_015021.3(ZNF292):c.6055T>C (p.Ser2019Pro)

Gene: ZNF292 (zinc finger protein 292; plus strand). Cytogenetic location: 6q14.3.
Variant type: single nucleotide variant.
Coding change: c.6055T>C on transcript NM_015021.3 (MANE Select); coding-DNA position 6055, T replaced by C.
Protein change: p.Ser2019Pro; replaces serine 2019 with proline.
Molecular consequence: missense variant.
Genome position (GRCh38, 1-based): chr6:87,259,684, T>C. VCF-style: chr6-87259684-T-C. GRCh37 (hg19) VCF-style: chr6-87969402-T-C.
Other names: c.5635T>C, p.Ser1879Pro (NM_001351444.2); short protein forms S1879P, S2019P.
Identifiers: ClinVar variation 2503338 (VCV002503338.1), dbSNP rs769408368, ClinGen allele CA3914562.

ClinVar aggregate classification (germline): Uncertain significance (1 of 4 stars; one submission).

Allele frequency attached by ClinVar (database versions not stated): gnomAD exomes below 0.00001; ExAC 0.00002.
gnomAD v4.1: 1 of 1,595,618 alleles (0.000063%); no homozygotes.

Submission:

GeneDx
Classification: Uncertain significance. Last evaluated: 2022-11-25. Review status: criteria provided, single submitter. Criteria: GeneDx Variant Classification Process June 2021. Collection method: clinical testing. Allele origin: germline. Affected: yes.
Comment: Not observed at significant frequency in large population cohorts (gnomAD); In silico analysis supports that this missense variant does not alter protein structure/function; Has not been previously published as pathogenic or benign to our knowledge